The following is an entry in ClinVar:

ClinVar aggregate classification (germline): Pathogenic. Review status: criteria provided, multiple submitters, no conflicts (2 of 4 stars). 3 submissions from 3 submitters: Pathogenic (3). Last evaluated 2026-04-13.

Conditions:
RHO-related disorder. Also called: RHO-related condition.

Submissions (3):

GeneDx
Classification: Pathogenic. Last evaluated: 2026-04-13. Review status: criteria provided, single submitter. Criteria: GeneDx Variant Classification Process June 2021. Collection method: clinical testing. Allele origin: germline.
Comment: Not observed at significant frequency in large population cohorts (gnomAD); In silico analysis supports that this missense variant has a deleterious effect on protein structure/function; This variant is associated with the following publications: (PMID: 8193125, 21094163, 20395457, 9797678, 30240733, 30977563, 8253795, 1833777, 32037395, 36460718)

Labcorp Genetics (formerly Invitae), Labcorp
Classification: Pathogenic. Last evaluated: 2025-02-20. Review status: criteria provided, single submitter. Criteria: Invitae Variant Classification Sherloc (09022015). Collection method: clinical testing. Allele origin: germline.
Comment: This sequence change replaces cysteine, which is neutral and slightly polar, with arginine, which is basic and polar, at codon 167 of the RHO protein (p.Cys167Arg). This variant is not present in population databases (gnomAD no frequency). This missense change has been observed in individuals with autosomal dominant retinitis pigmentosa (PMID: 1833777, 32037395, 36460718; internal data). Invitae Evidence Modeling of protein sequence and biophysical properties (such as structural, functional, and spatial information, amino acid conservation, physicochemical variation, residue mobility, and thermodynamic stability) indicates that this missense variant is expected to disrupt RHO protein function with a positive predictive value of 95%. Experimental studies have shown that this missense change affects RHO function (PMID: 30977563). For these reasons, this variant has been classified as Pathogenic.

Blueprint Genetics
Classification: Pathogenic for RHO-related disorders. Last evaluated: 2021-10-05. Review status: criteria provided, single submitter. Criteria: ACMG Guidelines, 2015. Collection method: clinical testing. Allele origin: germline. Affected: yes. Observed: 1 variant allele.

Literature cited by the submitters: PubMed 1833777 (cited by Labcorp Genetics (formerly Invitae), Labcorp); PubMed 32037395 (cited by Labcorp Genetics (formerly Invitae), Labcorp); PubMed 36460718 (cited by Labcorp Genetics (formerly Invitae), Labcorp); PubMed 30977563 (cited by Labcorp Genetics (formerly Invitae), Labcorp).

NM_000539.3(RHO):c.499T>C (p.Cys167Arg)

Gene: RHO (rhodopsin; plus strand). Cytogenetic location: 3q22.1.
Variant type: single nucleotide variant.
Coding change: c.499T>C on transcript NM_000539.3 (MANE Select); coding-DNA position 499, T replaced by C.
Protein change: p.Cys167Arg; replaces cysteine 167 with arginine.
Molecular consequence: missense variant.
Genome position (GRCh38, 1-based): chr3:129,531,013, T>C. VCF-style: chr3-129531013-T-C. GRCh37 (hg19) VCF-style: chr3-129249856-T-C.
Other names: short protein forms C167R.
Identifiers: ClinVar variation 4747339 (VCV004747339.3).
Genomic context (GRCh38, chr3:129,531,013, plus strand): 5'-CGCTTCGGGGAGAACCATGCCATCATGGGCGTTGCCTTCACCTGGGTCATGGCGCTGGCC[T>C]GCGCCGCACCCCCACTCGCCGGCTGGTCCAGGTAATGGCACTGAGCAGAAGGGAAGAAGC-3'
Protein context (NP_000530.1, residues 157-177): VAFTWVMALA[Cys167Arg]AAPPLAGWSR